The following is an entry in ClinVar:

ClinVar aggregate classification (germline): Uncertain significance (1 of 4 stars; one submission).

Submission:

GeneDx
Classification: Uncertain significance. Last evaluated: 2025-06-06. Review status: criteria provided, single submitter. Criteria: GeneDx Variant Classification Process June 2021. Collection method: clinical testing. Allele origin: germline. Affected: yes.
Comment: Not observed at significant frequency in large population cohorts (gnomAD); In silico analysis supports that this missense variant has a deleterious effect on protein structure/function; Has not been previously published as pathogenic or benign to our knowledge

NM_001692.4(ATP6V1B1):c.610G>A (p.Ala204Thr)

Gene: ATP6V1B1 (ATPase H+ transporting V1 subunit B1; plus strand). Cytogenetic location: 2p13.3.
Variant type: single nucleotide variant.
Coding change: c.610G>A on transcript NM_001692.4 (MANE Select); coding-DNA position 610, G replaced by A.
Protein change: p.Ala204Thr; replaces alanine 204 with threonine.
Molecular consequence: missense variant.
Genome position (GRCh38, 1-based): chr2:70,960,945, G>A. VCF-style: chr2-70960945-G-A. GRCh37 (hg19) VCF-style: chr2-71188075-G-A.
Other names: short protein forms A204T.
Identifiers: ClinVar variation 4536363 (VCV004536363.1).
Genomic context (GRCh38, chr2:70,960,945, plus strand): 5'-CTCTGACGTCCTCCTGCCCAATCCACTCTGCCCTAGATTGCCGCTCAGATCTGCCGCCAG[G>A]CGGGGCTGGTGAAGAAGTCCAAGGCTGTGCTGGATTACCATGACGACAACTTCGCCATCG-3'
Protein context (NP_001683.2, residues 194-214): NEIAAQICRQ[Ala204Thr]GLVKKSKAVL